The following is an entry in ClinVar:

NM_001378778.1(MPDZ):c.1897C>G (p.Arg633Gly)

Gene: MPDZ (multiple PDZ domain crumbs cell polarity complex component; minus strand). Cytogenetic location: 9p23.
Variant type: single nucleotide variant.
Coding change: c.1897C>G on transcript NM_001378778.1 (MANE Select); coding-DNA position 1897, C replaced by G.
Protein change: p.Arg633Gly; replaces arginine 633 with glycine.
Molecular consequence: missense variant.
Genome position (GRCh38, 1-based): chr9:13,192,202, G>C on the plus strand (C>G on the coding strand, the complement: MPDZ is on the minus strand). VCF-style: chr9-13192202-G-C. GRCh37 (hg19) VCF-style: chr9-13192201-G-C.
Other names: c.1897C>G, p.Arg633Gly (NM_001261406.2, NM_001261407.2, NM_001330637.2 and 14 more transcripts); short protein forms R633G.
Identifiers: ClinVar variation 1382491 (VCV001382491.8), dbSNP rs200955619, ClinGen allele CA372939311.

ClinVar aggregate classification (germline): Uncertain significance (1 of 4 stars; one submission).

Submission:

Labcorp Genetics (formerly Invitae), Labcorp
Classification: Uncertain significance. Last evaluated: 2021-05-18. Review status: criteria provided, single submitter. Criteria: Invitae Variant Classification Sherloc (09022015). Collection method: clinical testing. Allele origin: germline.
Comment: In summary, the available evidence is currently insufficient to determine the role of this variant in disease. Therefore, it has been classified as a Variant of Uncertain Significance. Algorithms developed to predict the effect of missense changes on protein structure and function are either unavailable or do not agree on the potential impact of this missense change (SIFT: "Tolerated"; PolyPhen-2: "Possibly Damaging"; Align-GVGD: "Class C0"). This variant has not been reported in the literature in individuals with MPDZ-related conditions. This variant is not present in population databases (ExAC no frequency). This sequence change replaces arginine with glycine at codon 633 of the MPDZ protein (p.Arg633Gly). The arginine residue is highly conserved and there is a moderate physicochemical difference between arginine and glycine.